The following is an entry in ClinVar:

NM_144687.4(NLRP12):c.-2C>G

Gene: NLRP12 (NLR family pyrin domain containing 12; minus strand). Cytogenetic location: 19q13.42.
Variant type: single nucleotide variant.
Coding change: c.-2C>G on transcript NM_144687.4 (MANE Select); 2 bases upstream of the start codon, C replaced by G.
Molecular consequence: 5 prime UTR variant.
Genome position (GRCh38, 1-based): chr19:53,824,176, G>C on the plus strand (C>G on the coding strand, the complement: NLRP12 is on the minus strand). VCF-style: chr19-53824176-G-C. GRCh37 (hg19) VCF-style: chr19-54327430-G-C.
Other names: c.-2C>G (NM_001277126.2, NM_001277129.1).
Identifiers: ClinVar variation 1694417 (VCV001694417.34), dbSNP rs142898715, ClinGen allele CA9639866.

ClinVar aggregate classification (germline): Conflicting classifications of pathogenicity. Review status: criteria provided, conflicting classifications (1 of 4 stars). 2 submissions from 2 submitters: Uncertain significance (1); Benign (1). Last evaluated 2022-07-01.

Conditions:
Autoinflammatory syndrome. Identifiers: Orphanet 93665, MedGen C3890737, MONDO:0019751.

Allele frequency attached by ClinVar (database versions not stated): gnomAD 0.00003 and 0.00011; TOPMed 0.00005; ESP Exome Variant Server 0.00015; gnomAD exomes 0.00018 and 0.00034; 1000 Genomes Project 0.00020; 1000 Genomes Project 30x 0.00031; ExAC 0.00038.
gnomAD v4.1: 285 of 1,613,852 alleles (0.018%); highest among the groups gnomAD compares: South Asian, 0.25%; 5 homozygotes.

Submissions (2):

CeGaT Center for Human Genetics Tuebingen
Classification: Benign. Last evaluated: 2022-07-01. Review status: criteria provided, single submitter. Criteria: CeGaT Center For Human Genetics Tuebingen Variant Classification Criteria Version 2. Collection method: clinical testing. Allele origin: germline. Affected: yes. Observed: 1 variant allele.
Comment: NLRP12: BS1, BS2

Genome Diagnostics Laboratory, The Hospital for Sick Children
Classification: Uncertain significance for Autoinflammatory syndrome. Last evaluated: 2019-08-01. Review status: criteria provided, single submitter. Criteria: ACMG Guidelines, 2015. Collection method: clinical testing. Allele origin: germline. Affected: yes.